The following is an entry in ClinVar:

ClinVar aggregate classification (germline): Likely pathogenic (1 of 4 stars; one submission).

Submission:

GeneDx
Classification: Likely pathogenic. Last evaluated: 2021-07-14. Review status: criteria provided, single submitter. Criteria: GeneDx Variant Classification Process June 2021. Collection method: clinical testing. Allele origin: germline. Affected: yes.
Comment: Not observed at significant frequency in large population cohorts (Lek et al., 2016); In silico analysis supports that this missense variant has a deleterious effect on protein structure/function; This variant is associated with the following publications: (PMID: 32013372, 26076747, 27535533)

NM_000206.3(IL2RG):c.260T>C (p.Leu87Pro)

Gene: IL2RG (interleukin 2 receptor subunit gamma; minus strand). Cytogenetic location: Xq13.1.
Variant type: single nucleotide variant.
Coding change: c.260T>C on transcript NM_000206.3 (MANE Select); coding-DNA position 260, T replaced by C.
Protein change: p.Leu87Pro; replaces leucine 87 with proline.
Molecular consequence: missense variant.
Genome position (GRCh38, 1-based): chrX:71,110,906, A>G on the plus strand (T>C on the coding strand, the complement: IL2RG is on the minus strand). VCF-style: chrX-71110906-A-G. GRCh37 (hg19) VCF-style: chrX-70330756-A-G.
Other names: short protein forms L87P.
Identifiers: ClinVar variation 377975 (VCV000377975.4), dbSNP rs1057520293, ClinGen allele CA16608908.